The following is an entry in ClinVar:

ClinVar aggregate classification (germline): Uncertain significance. Review status: criteria provided, multiple submitters, no conflicts (2 of 4 stars). 2 submissions from 2 submitters: Uncertain significance (2). Last evaluated 2024-09-27.

Conditions:
Van Maldergem syndrome 2 (VMLDS2). Identifiers: Orphanet 314679, MedGen C3809875, MONDO:0014242, OMIM 615546.

Allele frequency attached by ClinVar (database versions not stated): gnomAD 0.00002 and 0.00003; gnomAD exomes 0.00002 and 0.00006; TOPMed 0.00002; ExAC 0.00007; 1000 Genomes Project 30x 0.00016; 1000 Genomes Project 0.00020.
gnomAD v4.1: 34 of 1,614,024 alleles (0.0021%); highest among the groups gnomAD compares: Middle Eastern, 0.017%; no homozygotes.

Submissions (2):

Clinical Genomics Laboratory, Washington University in St. Louis
Classification: Uncertain significance for Van Maldergem syndrome 2. Last evaluated: 2024-09-27. Review status: criteria provided, single submitter. Criteria: ACMG Guidelines, 2015. Collection method: clinical testing. Allele origin: germline.
Comment: A FAT4 c.5035C>T (p.Arg1679Cys) variant was identified at a near heterozygous allelic fraction of 46.07%, a frequency that may be consistent with germline origin. This variant, to our knowledge, has not been reported in the medical literature or the ClinVar database. It is absent from the general population (gnomAD v.4.1.0), indicating it is not a common variant. Due to limited information, and based on the ACMG/AMP guidelines for variant interpretation (Richards S et al., PMID: 25741868), the FAT4 c.5035C>T (p.Arg1679Cys) variant is classified as a variant of uncertain significance at this time.

Labcorp Genetics (formerly Invitae), Labcorp
Classification: Uncertain significance. Last evaluated: 2024-01-02. Review status: criteria provided, single submitter. Criteria: Invitae Variant Classification Sherloc (09022015). Collection method: clinical testing. Allele origin: germline.
Comment: This sequence change replaces arginine, which is basic and polar, with cysteine, which is neutral and slightly polar, at codon 1679 of the FAT4 protein (p.Arg1679Cys). This variant is present in population databases (rs569440986, gnomAD 0.03%). This variant has not been reported in the literature in individuals affected with FAT4-related conditions. ClinVar contains an entry for this variant (Variation ID: 1414214). Advanced modeling of protein sequence and biophysical properties (such as structural, functional, and spatial information, amino acid conservation, physicochemical variation, residue mobility, and thermodynamic stability) performed at Invitae indicates that this missense variant is not expected to disrupt FAT4 protein function with a negative predictive value of 80%. In summary, the available evidence is currently insufficient to determine the role of this variant in disease. Therefore, it has been classified as a Variant of Uncertain Significance.

NM_001291303.3(FAT4):c.5035C>T (p.Arg1679Cys)

Gene: FAT4 (FAT atypical cadherin 4; plus strand). Cytogenetic location: 4q28.1.
Variant type: single nucleotide variant.
Coding change: c.5035C>T on transcript NM_001291303.3 (MANE Select); coding-DNA position 5035, C replaced by T.
Protein change: p.Arg1679Cys; replaces arginine 1679 with cysteine.
Molecular consequence: missense variant.
Genome position (GRCh38, 1-based): chr4:125,321,446, C>T. VCF-style: chr4-125321446-C-T. GRCh37 (hg19) VCF-style: chr4-126242601-C-T.
Other names: c.5035C>T, p.Arg1679Cys (NM_001291285.3, NM_024582.6); short protein forms R1679C.
Identifiers: ClinVar variation 1414214 (VCV001414214.7), dbSNP rs569440986, ClinGen allele CA3072563.
Genomic context (GRCh38, chr4:125,321,446, plus strand): 5'-TCTGAGGCCCCAGTGGAGTATTATATTGTTTCAGTTCGTTGTGAAGAAAAAACTGTTGGA[C>T]GCCTCTTTACTATTGGACGACATACTGGTATAATTCAGACCGCAGCCATTCTGGACCGGG-3'
Protein context (NP_001278232.1, residues 1669-1689): SVRCEEKTVG[Arg1679Cys]LFTIGRHTGI